The following is an entry in ClinVar:

NM_001318852.2(MAPK8IP3):c.579C>T (p.Thr193=)

Gene: MAPK8IP3 (mitogen-activated protein kinase 8 interacting protein 3; plus strand). Cytogenetic location: 16p13.3.
Variant type: single nucleotide variant.
Coding change: c.579C>T on transcript NM_001318852.2 (MANE Select); coding-DNA position 579, C replaced by T.
Protein change: p.Thr193=; no amino-acid change (threonine 193 retained).
Molecular consequence: synonymous variant.
Genome position (GRCh38, 1-based): chr16:1,729,555, C>T. VCF-style: chr16-1729555-C-T. GRCh37 (hg19) VCF-style: chr16-1779556-C-T.
Other names: c.579C>T, p.Thr193= (NM_001040439.2, NM_015133.5, NM_033392.3); c.579C>T (NM_001318852.1).
Identifiers: ClinVar variation 1694768 (VCV001694768.32), dbSNP rs202162897, ClinGen allele CA7816374.
Genomic context (GRCh38, chr16:1,729,555, plus strand): 5'-GACCTACGTGGAGCACATTGAGAGGTCCAAGATGCAGCAGGTCGGAGGAAACAGCCAGAC[C>T]GAGAGCAGCCTGCCGGGGCGGAGGTACGCGGGGCGCGGCGGGGTGGAGGTACGCGGGGCG-3'
Protein context (NP_001305781.1, residues 183-203): KMQQVGGNSQ[Thr193=]ESSLPGRSRK

ClinVar aggregate classification (germline): Likely benign. Review status: criteria provided, multiple submitters, no conflicts (2 of 4 stars). 3 submissions from 3 submitters: Likely benign (2). 1 of the submissions does not count toward it. Last evaluated 2026-09-01.

Conditions:
MAPK8IP3-related disorder. Also called: MAPK8IP3-related condition.

Allele frequency attached by ClinVar (database versions not stated): 1000 Genomes Project 0.00040; 1000 Genomes Project 30x 0.00062; gnomAD exomes 0.00084; ExAC 0.00090; gnomAD 0.00109; TOPMed 0.00113; ESP Exome Variant Server 0.00196.
gnomAD v4.1: 2,506 of 1,609,248 alleles (0.16%); highest among the groups gnomAD compares: Non-Finnish European, 0.19%; 2 homozygotes.

Submissions (3):

CeGaT Center for Human Genetics Tuebingen
Classification: Likely benign. Last evaluated: 2026-09-01. Review status: criteria provided, single submitter. Criteria: CeGaT Center For Human Genetics Tuebingen Variant Classification Criteria Version 2. Collection method: clinical testing. Allele origin: germline. Affected: yes. Observed: 15 variant alleles.
Comment: MAPK8IP3: BP4, BP7, BS1

Blueprint Genetics
Classification: Likely benign. Last evaluated: 2024-11-25. Review status: criteria provided, single submitter. Criteria: ACMG Guidelines, 2015. Collection method: clinical testing. Allele origin: germline.

PreventionGenetics, part of Exact Sciences
Classification: Likely benign for MAPK8IP3-related condition. Last evaluated: 2019-12-05. Review status: no assertion criteria provided. Collection method: clinical testing. Allele origin: germline. Not counted in ClinVar's aggregate classification.
Comment: This variant is classified as likely benign based on ACMG/AMP sequence variant interpretation guidelines (Richards et al. 2015 PMID: 25741868, with internal and published modifications).